The following is an entry in ClinVar:

NM_001199267.2(DGKZ):c.610G>T (p.Ala204Ser)

Gene: DGKZ (diacylglycerol kinase zeta; plus strand). Cytogenetic location: 11p11.2.
Variant type: single nucleotide variant.
Coding change: c.610G>T on transcript NM_001199267.2 (MANE Select); coding-DNA position 610, G replaced by T.
Protein change: p.Ala204Ser; replaces alanine 204 with serine.
Molecular consequence: missense variant.
Genome position (GRCh38, 1-based): chr11:46,371,355, G>T. VCF-style: chr11-46371355-G-T. GRCh37 (hg19) VCF-style: chr11-46392905-G-T.
Other names: c.1177G>T, p.Ala393Ser (NM_001105540.2); c.613G>T, p.Ala205Ser (NM_001199266.2, NM_003646.4); c.544G>T, p.Ala182Ser (NM_001199268.2); c.661G>T, p.Ala221Ser (NM_201532.3); c.625G>T, p.Ala209Ser (NM_201533.3); c.1177G>T (NM_001105540.1); short protein forms A205S, A204S, A209S, A221S, A182S, A393S.
Identifiers: ClinVar variation 1476205 (VCV001476205.9), dbSNP rs2136480944, ClinGen allele CA380216990.
Genomic context (GRCh38, chr11:46,371,355, plus strand): 5'-CATCCTGTCTACCCTCAGGGATTCCAGCAGAAGTTCACCTTCCACAGCAAGGAGATTGTG[G>T]CCATCAGCTGCTCGTGGTGCAAGCAGGCAGTGAGTGGTGCCCCCGCCCCCAGGGCCAGGC-3'
Protein context (NP_001186196.1, residues 194-214): KFTFHSKEIV[Ala204Ser]ISCSWCKQAY

ClinVar aggregate classification (germline): Uncertain significance. Review status: criteria provided, multiple submitters, no conflicts (2 of 4 stars). 2 submissions from 2 submitters: Uncertain significance (2). Last evaluated 2025-10-17.

Submissions (2):

Ambry Genetics
Classification: Uncertain significance. Last evaluated: 2025-10-17. Review status: criteria provided, single submitter. Criteria: Ambry Variant Classification Scheme 2023. Collection method: clinical testing. Allele origin: germline.

Labcorp Genetics (formerly Invitae), Labcorp
Classification: Uncertain significance. Last evaluated: 2022-08-23. Review status: criteria provided, single submitter. Criteria: Invitae Variant Classification Sherloc (09022015). Collection method: clinical testing. Allele origin: germline.
Comment: This sequence change replaces alanine, which is neutral and non-polar, with serine, which is neutral and polar, at codon 393 of the DGKZ protein (p.Ala393Ser). This variant is not present in population databases (gnomAD no frequency). This variant has not been reported in the literature in individuals affected with DGKZ-related conditions. ClinVar contains an entry for this variant (Variation ID: 1476205). Algorithms developed to predict the effect of missense changes on protein structure and function (SIFT, PolyPhen-2, Align-GVGD) all suggest that this variant is likely to be disruptive. In summary, the available evidence is currently insufficient to determine the role of this variant in disease. Therefore, it has been classified as a Variant of Uncertain Significance.